The following is an entry in ClinVar:

NM_001148.6(ANK2):c.11229A>T (p.Gln3743His)

Gene: ANK2 (ankyrin 2; plus strand). Cytogenetic location: 4q26.
Variant type: single nucleotide variant.
Coding change: c.11229A>T on transcript NM_001148.6 (MANE Select); coding-DNA position 11229, A replaced by T.
Protein change: p.Gln3743His; replaces glutamine 3743 with histidine.
Molecular consequence: missense variant.
Genome position (GRCh38, 1-based): chr4:113,367,762, A>T. VCF-style: chr4-113367762-A-T. GRCh37 (hg19) VCF-style: chr4-114288918-A-T.
Other names: c.4947A>T, p.Gln1649His (NM_001127493.3); c.4986A>T, p.Gln1662His (NM_001354225.2); c.4875A>T, p.Gln1625His (NM_001354228.2, NM_001354258.2); c.4953A>T, p.Gln1651His (NM_001354230.2); c.5016A>T, p.Gln1672His (NM_001354231.2, NM_001354242.2); c.5010A>T, p.Gln1670His (NM_001354232.2); c.4971A>T, p.Gln1657His (NM_001354235.2, NM_001354246.2, NM_001354265.2); c.4872A>T, p.Gln1624His (NM_001354236.2); and 35 more; short protein forms Q1649H, Q3743H, Q1530H, Q1583H, Q1596H, Q1615H, Q1636H, Q1641H.
Identifiers: ClinVar variation 1798055 (VCV001798055.7), dbSNP rs786205738, ClinGen allele CA301081.

ClinVar aggregate classification (germline): Uncertain significance. Review status: criteria provided, multiple submitters, no conflicts (2 of 4 stars). 2 submissions from 2 submitters: Uncertain significance (2). Last evaluated 2023-10-07.

Conditions:
Cardiovascular phenotype. Identifiers: MedGen CN230736.
Long QT syndrome (LQTS). Identifiers: MedGen C0023976, MeSH D008133, MONDO:0002442. Disease mechanism: loss of function. Inheritance: Various modes of inheritance.

Allele frequency attached by ClinVar (database versions not stated): TOPMed 0.00002; gnomAD 0.00003.
gnomAD v4.1: 6 of 1,613,982 alleles (0.00037%); highest among the groups gnomAD compares: Admixed American, 0.01%; no homozygotes.

Submissions (2):

Labcorp Genetics (formerly Invitae), Labcorp
Classification: Uncertain significance for Long QT syndrome. Last evaluated: 2023-10-07. Review status: criteria provided, single submitter. Criteria: Invitae Variant Classification Sherloc (09022015). Collection method: clinical testing. Allele origin: germline.
Comment: This sequence change replaces glutamine, which is neutral and polar, with histidine, which is basic and polar, at codon 3743 of the ANK2 protein (p.Gln3743His). This variant is present in population databases (rs786205738, gnomAD 0.003%). This variant has not been reported in the literature in individuals affected with ANK2-related conditions. ClinVar contains an entry for this variant (Variation ID: 1798055). An algorithm developed to predict the effect of missense changes on protein structure and function (PolyPhen-2) suggests that this variant is likely to be tolerated. In summary, the available evidence is currently insufficient to determine the role of this variant in disease. Therefore, it has been classified as a Variant of Uncertain Significance.

Ambry Genetics
Classification: Uncertain significance for Cardiovascular phenotype. Last evaluated: 2021-06-15. Review status: criteria provided, single submitter. Criteria: Ambry Variant Classification Scheme 2023. Collection method: clinical testing. Allele origin: germline.
Comment: The p.Q3743H variant (also known as c.11229A>T), located in coding exon 42 of the ANK2 gene, results from an A to T substitution at nucleotide position 11229. The glutamine at codon 3743 is replaced by histidine, an amino acid with highly similar properties. This amino acid position is well conserved in available vertebrate species. In addition, the in silico prediction for this alteration is inconclusive. Since supporting evidence is limited at this time, the clinical significance of this alteration remains unclear.